The following is an entry in ClinVar:

NM_000435.3(NOTCH3):c.6325C>T (p.Arg2109Trp)

Gene: NOTCH3 (notch receptor 3; minus strand). Cytogenetic location: 19p13.12.
Variant type: single nucleotide variant.
Coding change: c.6325C>T on transcript NM_000435.3 (MANE Select); coding-DNA position 6325, C replaced by T.
Protein change: p.Arg2109Trp; replaces arginine 2109 with tryptophan.
Molecular consequence: missense variant.
Genome position (GRCh38, 1-based): chr19:15,161,303, G>A on the plus strand (C>T on the coding strand, the complement: NOTCH3 is on the minus strand). VCF-style: chr19-15161303-G-A. GRCh37 (hg19) VCF-style: chr19-15272114-G-A.
Other names: short protein forms R2109W.
Identifiers: ClinVar variation 890164 (VCV000890164.10), dbSNP rs199995195, ClinGen allele CA305758286.
Genomic context (GRCh38, chr19:15,161,303, plus strand): 5'-CTGCATAGGGCCCCTCAAGGGGGAAGCCACCAGGGGAAGCAGGGGGCCCACCGAAAGGCC[G>A]CGGGGAGTCCAGCGAGTCCACGGGCGACAGCGTGACCGAGCTGTCAGCCAGGGGGCCCGG-3'
Protein context (NP_000426.2, residues 2099-2119): LSPVDSLDSP[Arg2109Trp]PFGGPPASPG

ClinVar aggregate classification (germline): Conflicting classifications of pathogenicity. Review status: criteria provided, conflicting classifications (1 of 4 stars). 6 submissions from 6 submitters: Uncertain significance (3); Likely benign (2). 1 of the submissions does not count toward it. Last evaluated 2025-05-21.

Conditions:
Cerebral arteriopathy, autosomal dominant, with subcortical infarcts and leukoencephalopathy, type 1 (CADASIL1). Also called: DEMENTIA, HEREDITARY MULTIINFARCT TYPE; CADASIL 1; CASIL; Cerebral arteriopathy with subcortical infarcts and leukoencephalopathy 1. Identifiers: Orphanet 136, MedGen C4551768, MONDO:0000914, OMIM 125310.
NOTCH3-related disorder. Also called: NOTCH3-related condition; NOTCH3-related disorders.
Inborn genetic diseases. Identifiers: MedGen C0950123, MeSH D030342.

Allele frequency attached by ClinVar (database versions not stated): gnomAD 0.00001 and 0.00002; gnomAD exomes 0.00003 and 0.00004; TOPMed 0.00003.

Submissions (6):

Labcorp Genetics (formerly Invitae), Labcorp
Classification: Likely benign. Last evaluated: 2025-05-21. Review status: criteria provided, single submitter. Criteria: Invitae Variant Classification Sherloc (09022015). Collection method: clinical testing. Allele origin: germline.

Ambry Genetics
Classification: Uncertain significance for Inborn genetic diseases. Last evaluated: 2024-10-24. Review status: criteria provided, single submitter. Criteria: Ambry Variant Classification Scheme 2023. Collection method: clinical testing. Allele origin: germline.

Blueprint Genetics
Classification: Likely benign. Last evaluated: 2024-04-26. Review status: criteria provided, single submitter. Criteria: ACMG Guidelines, 2015. Collection method: clinical testing. Allele origin: germline.

Athena Diagnostics
Classification: Uncertain significance. Last evaluated: 2024-01-15. Review status: criteria provided, single submitter. Criteria: Athena Diagnostics Criteria. Collection method: clinical testing. Allele origin: unknown.
Comment: Available data are insufficient to determine the clinical significance of the variant at this time. The frequency of this variant in the general population is higher than would generally be expected for pathogenic variants in this gene. Computational tools predict that this variant is not damaging. Greater than 90% of NOTCH3 pathogenic variants associated with CADASIL involve the gain or loss of a cysteine residue within the epidermal growth factor (EGF)-like repeat domain (PMID: 32457593, 20301673).

Illumina Laboratory Services, Illumina
Classification: Uncertain significance for Cerebral arteriopathy, autosomal dominant, with subcortical infarcts and leukoencephalopathy, type 1. Last evaluated: 2018-01-13. Review status: criteria provided, single submitter. Criteria: ICSL Variant Classification Criteria 13 December 2019. Collection method: clinical testing. Allele origin: germline.

PreventionGenetics, part of Exact Sciences
Classification: Uncertain significance for NOTCH3-related condition. Last evaluated: 2023-12-30. Review status: no assertion criteria provided. Collection method: clinical testing. Allele origin: germline. Not counted in ClinVar's aggregate classification.
Comment: The NOTCH3 c.6325C>T variant is predicted to result in the amino acid substitution p.Arg2109Trp. To our knowledge, this variant has not been reported in the literature. This variant is reported in 0.011% of alleles in individuals of European (Non-Finnish) descent in gnomAD. At this time, the clinical significance of this variant is uncertain due to the absence of conclusive functional and genetic evidence.